The following is an entry in ClinVar:

NM_001077268.2(ZFYVE19):c.1175G>A (p.Arg392Gln)

Gene: ZFYVE19 (zinc finger FYVE-type containing 19; plus strand). Cytogenetic location: 15q15.1.
Variant type: single nucleotide variant.
Coding change: c.1175G>A on transcript NM_001077268.2 (MANE Select); coding-DNA position 1175, G replaced by A.
Protein change: p.Arg392Gln; replaces arginine 392 with glutamine.
Molecular consequence: missense variant.
Genome position (GRCh38, 1-based): chr15:40,813,777, G>A. VCF-style: chr15-40813777-G-A. GRCh37 (hg19) VCF-style: chr15-41105975-G-A.
Other names: c.971G>A, p.Arg324Gln (NM_001258420.2); c.650G>A, p.Arg217Gln (NM_001258421.2); c.1145G>A, p.Arg382Gln (NM_032850.5); short protein forms R392Q, R217Q, R324Q, R382Q.
Identifiers: ClinVar variation 2365541 (VCV002365541.3), dbSNP rs200306997, ClinGen allele CA7485900.

ClinVar aggregate classification (germline): Likely benign. Review status: criteria provided, multiple submitters, no conflicts (2 of 4 stars). 2 submissions from 2 submitters: Likely benign (2). Last evaluated 2026-02-08.

Conditions:
ZFYVE19-related disorder. Also called: ZFYVE19-related condition.

Allele frequency attached by ClinVar (database versions not stated): ESP Exome Variant Server 0.00008; 1000 Genomes Project 30x 0.00016; 1000 Genomes Project 0.00020; ExAC 0.00020; TOPMed 0.00026; gnomAD 0.00029.

Submissions (2):

PreventionGenetics, part of Exact Sciences
Classification: Likely benign for ZFYVE19-related condition. Last evaluated: 2026-02-08. Review status: criteria provided, single submitter. Criteria: ACMG Guidelines, 2015. Collection method: clinical testing. Allele origin: germline.
Comment: This variant is classified as likely benign based on ACMG/AMP sequence variant interpretation guidelines (Richards et al. 2015 PMID: 25741868, with internal and published modifications).

Ambry Genetics
Classification: Likely benign. Last evaluated: 2022-06-24. Review status: criteria provided, single submitter. Criteria: Ambry Variant Classification Scheme 2023. Collection method: clinical testing. Allele origin: germline.